The following is an entry in ClinVar:

ClinVar aggregate classification (germline): Likely benign (1 of 4 stars; one submission).

Submission:

GeneDx
Classification: Likely benign. Last evaluated: 2018-02-07. Review status: criteria provided, single submitter. Criteria: GeneDx Variant Classification (06012015). Collection method: clinical testing. Allele origin: germline. Affected: yes.
Comment: This variant is considered likely benign or benign based on one or more of the following criteria: it is a conservative change, it occurs at a poorly conserved position in the protein, it is predicted to be benign by multiple in silico algorithms, and/or has population frequency not consistent with disease.

NM_182476.3(COQ6):c.720+20T>C

Genes: COQ6 (coenzyme Q6, monooxygenase; plus strand), ENTPD5 (ectonucleoside triphosphate diphosphohydrolase 5; minus strand). Cytogenetic location: 14q24.3.
Variant type: single nucleotide variant.
Coding change: c.720+20T>C on transcript NM_182476.3 (MANE Select); 20 bases into the intron after coding-DNA position 720, T replaced by C.
Molecular consequence: intron variant. On other transcripts: 3 prime UTR variant (3).
Genome position (GRCh38, 1-based): chr14:73,959,098, T>C. VCF-style: chr14-73959098-T-C. GRCh37 (hg19) VCF-style: chr14-74425801-T-C.
Other names: c.*432A>G (NM_001330189.2, NM_001382259.1, NM_001382260.1); c.645+20T>C (NM_001425258.1, NM_182480.3); c.495+20T>C (NM_001425259.1, NM_001425261.1, NM_001425260.1); c.393+20T>C (NM_001425263.1); c.720+20T>C (NM_001425255.1, NM_001425256.1); c.180+20T>C (NM_001425265.1, NM_001425264.1); c.465+20T>C (NM_001425262.1); c.555+20T>C (NM_001425257.1); and 2 more.
Identifiers: ClinVar variation 515229 (VCV000515229.3), dbSNP rs1555358288, ClinGen allele CA658798226.
Genomic context (GRCh38, chr14:73,959,098, plus strand): 5'-ATGACCAGTCTGCTGTTGTGGCTACTCTGCATTTATCAGAGGTAAGATCCTGAGCTGCCA[T>C]CTGGGGACTTTATTCATAGGCACTAGGTACTTCACAGAGAAACTTTTCTCCTCTCTGTTG-3'